The following is an entry in ClinVar:

ClinVar aggregate classification (germline): Pathogenic. Review status: reviewed by expert panel (3 of 4 stars). 8 submissions from 8 submitters: Pathogenic (1). 7 of the submissions do not count toward it. Last evaluated 2016-10-18.

Conditions:
Hereditary cancer-predisposing syndrome. Also called: Tumor predisposition; Hereditary Cancer Syndrome; Hereditary neoplastic syndrome; Neoplastic Syndromes, Hereditary. Identifiers: Orphanet 140162, MedGen C0027672, MeSH D009386, MONDO:0015356.
Hereditary breast ovarian cancer syndrome. Also called: Hereditary breast and ovarian cancer; Breast and ovarian cancer; BRCA1- and BRCA2-Associated Hereditary Breast and Ovarian Cancer; Hereditary breast and ovarian cancer syndrome; Hereditary breast and ovarian cancer syndrome (HBOC); Hereditary breast and/or ovarian cancer syndrome. Identifiers: Orphanet 145, MedGen C0677776, MeSH D061325, MONDO:0003582. Disease mechanism: loss of function.
Breast-ovarian cancer, familial, susceptibility to, 2 (BROVCA2). Also called: BRCA2 Hereditary Breast and Ovarian Cancer. Identifiers: Orphanet 145, MedGen C2675520, MONDO:0012933, OMIM 612555. Disease mechanism: loss of function.

Submissions (8):

Evidence-based Network for the Interpretation of Germline Mutant Alleles (ENIGMA)
Classification: Pathogenic for Breast-ovarian cancer, familial, susceptibility to, 2. Last evaluated: 2016-10-18. Review status: reviewed by expert panel. Criteria: ENIGMA BRCA1/2 Classification Criteria (2015). Collection method: curation. Allele origin: germline.
Comment: Variant allele predicted to encode a truncated non-functional protein.

Color Diagnostics, LLC DBA Color Health
Classification: Pathogenic for Hereditary cancer-predisposing syndrome. Last evaluated: 2021-03-05. Review status: criteria provided, single submitter. Criteria: ACMG Guidelines, 2015. Collection method: clinical testing. Allele origin: germline. Not counted in ClinVar's aggregate classification.
Comment: This variant changes 1 nucleotide in exon 25 of the BRCA2 gene, creating a premature translation stop signal. This variant is expected to result in an absent or non-functional protein product. To our knowledge, functional studies have not been reported for this variant. This variant has been reported in families suspected of having hereditary breast/ovarian cancer (PMID: 24065114, 30333958, 33468216). This variant has not been identified in the general population by the Genome Aggregation Database (gnomAD). Loss of BRCA2 function is a known mechanism of disease. Based on the available evidence, this variant is classified as Pathogenic.

Labcorp Genetics (formerly Invitae), Labcorp
Classification: Pathogenic for Hereditary breast ovarian cancer syndrome. Last evaluated: 2020-08-29. Review status: criteria provided, single submitter. Criteria: Invitae Variant Classification Sherloc (09022015). Collection method: clinical testing. Allele origin: germline. Not counted in ClinVar's aggregate classification.
Comment: This sequence change creates a premature translational stop signal at codon 3127 (p.Trp3127*). It is expected to result in an absent or disrupted protein product. Loss-of-function variants in BRCA2 are known to be pathogenic (PMID: 20104584). This particular variant has been reported in the literature in an individual with suspected hereditary breast and ovarian cancer syndrome (PMID: 24065114). For these reasons, this variant has been classified as Pathogenic.

Ambry Genetics
Classification: Pathogenic for Hereditary cancer-predisposing syndrome. Last evaluated: 2020-08-05. Review status: criteria provided, single submitter. Criteria: Ambry Variant Classification Scheme 2023. Collection method: clinical testing. Allele origin: germline. Not counted in ClinVar's aggregate classification.
Comment: The p.W3127* pathogenic mutation (also known as c.9381G>A), located in coding exon 24 of the BRCA2 gene, results from a G to A substitution at nucleotide position 9381. This changes the amino acid from a tryptophan to a stop codon within coding exon 24. A different nucleotide substitution (c.9380G>A) that results in the same immediate stop codon has been reported as deleterious in early onset breast cancer patients of Indian ethnicity (Juwle A et al. Med. Oncol. 2012 Dec;29:3272-81; Moran O et al. Breast Cancer Res. Treat. 2017 Jan;161:135-142). In addition to the clinical data presented in the literature, this alteration is expected to result in loss of function by premature protein truncation or nonsense-mediated mRNA decay. As such, this alteration is interpreted as a disease-causing mutation.

GeneDx
Classification: Pathogenic. Last evaluated: 2019-09-18. Review status: criteria provided, single submitter. Criteria: GeneDx Variant Classification Process June 2021. Collection method: clinical testing. Allele origin: germline. Affected: yes. Not counted in ClinVar's aggregate classification.
Comment: Nonsense variant predicted to result in protein truncation or nonsense mediated decay in a gene for which loss-of-function is a known mechanism of disease; Not observed in large population cohorts (Lek 2016); Reported as pathogenic in ClinVar by a well-established clinical consortium; This variant is associated with the following publications: (PMID: 31209999, 24065114, 25256924, 22752604, 29446198, 27798748, 29785135)

Quest Diagnostics Nichols Institute San Juan Capistrano
Classification: Pathogenic. Last evaluated: 2019-08-23. Review status: criteria provided, single submitter. Criteria: Quest Diagnostics criteria. Collection method: clinical testing. Allele origin: unknown. Not counted in ClinVar's aggregate classification.
Comment: The variant creates a premature nonsense codon, and is therefore predicted to result in the loss of a functional protein. Found in at least one patient with expected phenotype for this gene, and not found in general population data.

Consortium of Investigators of Modifiers of BRCA1/2 (CIMBA), c/o University of Cambridge
Classification: Pathogenic for Breast-ovarian cancer, familial, susceptibility to, 2. Last evaluated: 2015-10-02. Review status: criteria provided, single submitter. Criteria: CIMBA Mutation Classification guidelines May 2016. Collection method: clinical testing. Allele origin: germline. Not counted in ClinVar's aggregate classification.

Institute of Genomics, University of Tartu
Classification: Pathogenic for Breast-ovarian cancer, familial, susceptibility to, 2. Review status: criteria provided, single submitter. Criteria: ACMG Guidelines, 2015. Collection method: research. Allele origin: germline. Observed: 1 variant allele. Not counted in ClinVar's aggregate classification.

Literature cited by the submitters: PubMed 20104584 (cited by Labcorp Genetics (formerly Invitae), Labcorp); PubMed 24065114 (cited by Labcorp Genetics (formerly Invitae), Labcorp and Quest Diagnostics Nichols Institute San Juan Capistrano); PubMed 22752604 (cited by Ambry Genetics and Quest Diagnostics Nichols Institute San Juan Capistrano); PubMed 27798748 (cited by Ambry Genetics and Quest Diagnostics Nichols Institute San Juan Capistrano); PubMed 29446198 (cited by Quest Diagnostics Nichols Institute San Juan Capistrano).

NM_000059.4(BRCA2):c.9381G>A (p.Trp3127Ter)

Gene: BRCA2 (BRCA2 DNA repair associated; plus strand). Cytogenetic location: 13q13.1.
Variant type: single nucleotide variant.
Coding change: c.9381G>A on transcript NM_000059.4 (MANE Select); coding-DNA position 9381, G replaced by A.
Protein change: p.Trp3127Ter; replaces tryptophan 3127 with a stop codon.
Molecular consequence: nonsense.
Genome position (GRCh38, 1-based): chr13:32,394,813, G>A. VCF-style: chr13-32394813-G-A. GRCh37 (hg19) VCF-style: chr13-32968950-G-A.
Other names: 9609G>A; short protein forms W3127*.
Identifiers: ClinVar variation 234828 (VCV000234828.23), dbSNP rs876661242, ClinGen allele CA10577497.